The following is an entry in ClinVar:

ClinVar aggregate classification (germline): Likely benign (1 of 4 stars; one submission).

Submission:

Mayo Clinic Laboratories, Mayo Clinic
Classification: Likely benign. Last evaluated: 2025-09-26. Review status: criteria provided, single submitter. Criteria: ACMG Guidelines, 2015. Collection method: clinical testing. Allele origin: germline. Observed: 2 variant alleles.
Comment: BP4, BP7

Literature cited by the submitters: PubMed 40869443.

NM_000443.4(ABCB4):c.1894-60AC[16]

Gene: ABCB4 (ATP binding cassette subfamily B member 4; minus strand). Cytogenetic location: 7q21.12.
Variant type: Microsatellite.
Coding change: c.1894-60AC[16] on transcript NM_000443.4 (MANE Select); 16 copies in a row of the 2-base unit AC starting at c.1894-60; the reference has 18 copies in a row; two copies, 4 bases deleted.
Molecular consequence: intron variant.
Genome position (GRCh38, 1-based): chr7:87,426,945-87,426,948, GTGT deleted on the plus strand (ACAC on the coding strand, the reverse complement: ABCB4 is on the minus strand); deleting any 4 consecutive bases within chr7:87,426,945-87,426,980 gives the same sequence; the position shown is the placement nearest the transcript's 3' end. VCF-style (leftmost placement, unchanged base first): chr7-87426944-AGTGT-A. GRCh37 (hg19) VCF-style: chr7-87056260-AGTGT-A.
Other names: p.?; c.1894-60AC[16] (NM_018850.3, NM_018849.3); c.1894-28_1894-25del (NM_000443.4).
Identifiers: ClinVar variation 4683285 (VCV004683285.1).